The following is an entry in ClinVar:

NM_001083116.3(PRF1):c.755A>G (p.Asn252Ser)

Gene: PRF1 (perforin 1; minus strand). Cytogenetic location: 10q22.1.
Variant type: single nucleotide variant.
Coding change: c.755A>G on transcript NM_001083116.3 (MANE Select); coding-DNA position 755, A replaced by G.
Protein change: p.Asn252Ser; replaces asparagine 252 with serine.
Molecular consequence: missense variant.
Genome position (GRCh38, 1-based): chr10:70,598,966, T>C on the plus strand (A>G on the coding strand, the complement: PRF1 is on the minus strand). VCF-style: chr10-70598966-T-C. GRCh37 (hg19) VCF-style: chr10-72358722-T-C.
Other names: c.755A>G, p.Asn252Ser (NM_005041.6); short protein forms N252S.
Identifiers: ClinVar variation 13716 (VCV000013716.64), dbSNP rs28933375, ClinGen allele CA123386.

ClinVar aggregate classification (germline): Conflicting classifications of pathogenicity. Review status: criteria provided, conflicting classifications (1 of 4 stars). 16 submissions from 16 submitters: Uncertain significance (1); Benign (6); Likely benign (5). 4 of the submissions do not count toward it. Last evaluated 2026-09-01.

Conditions:
Autoinflammatory syndrome. Identifiers: Orphanet 93665, MedGen C3890737, MONDO:0019751.
Familial hemophagocytic lymphohistiocytosis 2 (FHL2). Also called: PRF1-Related Familial Hemophagocytic Lymphohistiocytosis (PRF1-fHLH). Identifiers: Orphanet 540, MedGen C1863727, MONDO:0011337, OMIM 603553.

Allele frequency attached by ClinVar (database versions not stated): gnomAD exomes 0.00503 and 0.00631; gnomAD 0.00674 and 0.00756; 1000 Genomes Project 30x 0.00750; 1000 Genomes Project 0.00759; ExAC 0.00517; TOPMed 0.00831.

Submissions (16):

CeGaT Center for Human Genetics Tuebingen
Classification: Likely benign. Last evaluated: 2026-09-01. Review status: criteria provided, single submitter. Criteria: CeGaT Center For Human Genetics Tuebingen Variant Classification Criteria Version 2. Collection method: clinical testing. Allele origin: germline. Affected: yes. Observed: 12 variant alleles.
Comment: PRF1: BP4, BS2

Labcorp Genetics (formerly Invitae), Labcorp
Classification: Benign for Familial hemophagocytic lymphohistiocytosis 2. Last evaluated: 2026-02-04. Review status: criteria provided, single submitter. Criteria: Invitae Variant Classification Sherloc (09022015). Collection method: clinical testing. Allele origin: germline.

Mayo Clinic Laboratories, Mayo Clinic
Classification: Benign. Last evaluated: 2025-10-01. Review status: criteria provided, single submitter. Criteria: ACMG Guidelines, 2015. Collection method: clinical testing. Allele origin: germline. Observed: 15 variant alleles.
Comment: BS1, BS2, BP4

Women's Health and Genetics/Laboratory Corporation of America, LabCorp
Classification: Benign. Last evaluated: 2022-06-17. Review status: criteria provided, single submitter. Criteria: LabCorp Variant Classification Summary - May 2015. Collection method: clinical testing. Allele origin: germline.
Comment: Variant summary: PRF1 c.755A>G (p.Asn252Ser) results in a conservative amino acid change located in the Membrane attack complex component/perforin (MACPF) domain (IPR020864) of the encoded protein sequence. Five of five in-silico tools predict a benign effect of the variant on protein function. The variant allele was found at a frequency of 0.005 in 282834 control chromosomes in the gnomAD database, including 9 homozygotes; occuring predominantly at a frequency of 0.0087 within the African or African-American subpopulation in the gnomAD database, with 2 homozygotes. The observed variant frequency within African or African-American control individuals in the gnomAD database is approximately 3 fold of the estimated maximal expected allele frequency for a pathogenic variant in PRF1 causing Familial Hemophagocytic Lymphohistiocytosis phenotype (0.0027), strongly suggesting that the variant is a benign polymorphism found primarily in populations of African or African-American origin. Seven ClinVar submitters have assessed the variant since 2014: one classified the variant as of uncertain significance, three as likely benign, and three as benign. Based on the evidence outlined above, the variant was classified as benign.

GeneDx
Classification: Likely benign. Last evaluated: 2022-02-23. Review status: criteria provided, single submitter. Criteria: GeneDx Variant Classification Process June 2021. Collection method: clinical testing. Allele origin: germline. Affected: yes.
Comment: In silico analysis supports that this missense variant does not alter protein structure/function; This variant is associated with the following publications: (PMID: 15728124, 18198357, 18496551, 22995991, 24309606, 20981092, 23592409, 25569260, 27153395, 29146883, 32659967, 32356861, 32198610, 32098966, 10583959, 34938098, 15459303, 15659737, 15755897)

Institute for Clinical Genetics, University Hospital TU Dresden, University Hospital TU Dresden
Classification: Uncertain significance. Last evaluated: 2021-11-03. Review status: criteria provided, single submitter. Criteria: ACMG Guidelines, 2015. Collection method: clinical testing. Allele origin: germline.

Genome Diagnostics Laboratory, The Hospital for Sick Children
Classification: Benign for Autoinflammatory syndrome. Last evaluated: 2021-07-09. Review status: criteria provided, single submitter. Criteria: ACMG Guidelines, 2015. Collection method: clinical testing. Allele origin: germline. Affected: yes.

Genetic Services Laboratory, University of Chicago
Classification: Benign. Last evaluated: 2021-04-19. Review status: criteria provided, single submitter. Criteria: ACMG Guidelines, 2015. Collection method: clinical testing. Allele origin: germline. Affected: no.

Knight Diagnostic Laboratories, Oregon Health and Sciences University
Classification: Likely benign. Last evaluated: 2019-08-06. Review status: criteria provided, single submitter. Criteria: ACMG Guidelines, 2015. Collection method: clinical testing. Allele origin: germline. Observed: 1 variant allele.

Institute for Genomic Medicine (IGM) Clinical Laboratory, Nationwide Children's Hospital
Classification: Likely benign. Last evaluated: 2017-08-14. Review status: criteria provided, single submitter. Criteria: ACMG Guidelines, 2015. Collection method: clinical testing. Allele origin: germline.
Comment: BS1, BS4, BP6; This alteration has an allele frequency that is greater than expected for the associated disease, is a variant that did not show segregation with affected members of a family (PMID: 15659737), and was reported as a benign/likely benign alteration by a reputable source (ClinVar or other correspondence from a clinical testing laboratory).

Illumina Laboratory Services, Illumina
Classification: Benign for Familial hemophagocytic lymphohistiocytosis 2. Last evaluated: 2017-04-27. Review status: criteria provided, single submitter. Criteria: ICSL Variant Classification Criteria 13 December 2019. Collection method: clinical testing. Allele origin: germline.
Comment: This variant was observed as part of a predisposition screen in an ostensibly healthy population. A literature search was performed for the gene, cDNA change, and amino acid change (where applicable). Publications were found based on this search. The evidence from the literature, in combination with allele frequency data from public databases where available, was sufficient to rule this variant out of causing disease. Therefore, this variant is classified as benign.

PreventionGenetics, part of Exact Sciences
Classification: Likely benign. Review status: criteria provided, single submitter. Criteria: ACMG Guidelines, 2015. Collection method: clinical testing. Allele origin: germline.

OMIM
Classification: Uncertain significance for RECLASSIFIED - VARIANT OF UNKNOWN SIGNIFICANCE. Last evaluated: 2005-06-01. Review status: no assertion criteria provided. Collection method: literature only. Allele origin: germline. Not counted in ClinVar's aggregate classification.

Clinical Genetics DNA and cytogenetics Diagnostics Lab, Erasmus MC, Erasmus Medical Center
Classification: Likely benign. Review status: no assertion criteria provided. Collection method: clinical testing. Allele origin: germline. Affected: yes. Study: VKGL Data-share Consensus. Not counted in ClinVar's aggregate classification.

Genome Diagnostics Laboratory, University Medical Center Utrecht
Classification: Benign. Review status: no assertion criteria provided. Collection method: clinical testing. Allele origin: germline. Affected: yes. Study: VKGL Data-share Consensus. Not counted in ClinVar's aggregate classification.

Joint Genome Diagnostic Labs from Nijmegen and Maastricht, Radboudumc and MUMC+
Classification: Likely benign. Review status: no assertion criteria provided. Collection method: clinical testing. Allele origin: germline. Affected: yes. Study: VKGL Data-share Consensus. Not counted in ClinVar's aggregate classification.

Literature cited by the submitters: PubMed 10583959 (cited by 3 submitters); PubMed 14757862 (cited by Mayo Clinic Laboratories, Mayo Clinic); PubMed 15755897 (cited by Mayo Clinic Laboratories, Mayo Clinic and Illumina Laboratory Services, Illumina); PubMed 25569260 (cited by Mayo Clinic Laboratories, Mayo Clinic); PubMed 15659737 (cited by Institute for Genomic Medicine (IGM) Clinical Laboratory, Nationwide Children's Hospital and OMIM); PubMed 23592409 (cited by Illumina Laboratory Services, Illumina); PubMed 15459303 (cited by OMIM); PubMed 15728124 (cited by OMIM).